The following is an entry in ClinVar:

NM_000038.6(APC):c.57G>T (p.Glu19Asp)

Gene: APC (APC regulator of Wnt signaling pathway; plus strand). Cytogenetic location: 5q22.2.
Variant type: single nucleotide variant.
Coding change: c.57G>T on transcript NM_000038.6 (MANE Select); coding-DNA position 57, G replaced by T.
Protein change: p.Glu19Asp; replaces glutamic acid 19 with aspartic acid.
Molecular consequence: missense variant. On other transcripts: 5 prime UTR variant (1), intron variant (8).
Genome position (GRCh38, 1-based): chr5:112,754,947, G>T. VCF-style: chr5-112754947-G-T. GRCh37 (hg19) VCF-style: chr5-112090644-G-T.
Other names: c.57G>T, p.Glu19Asp (NM_001127510.3, NM_001354895.2, NM_001354896.2 and 2 more transcripts); c.-979G>T (NM_001354906.2); c.166-11379G>T (NM_001354897.2, NM_001354902.2, NM_001127511.3); c.61-11379G>T (NM_001354898.2, NM_001354904.2); c.-42-11379G>T (NM_001354900.2, NM_001354901.2, NM_001354905.2); short protein forms E19D.
Identifiers: ClinVar variation 961855 (VCV000961855.11), dbSNP rs1754787495, ClinGen allele CA16021465.

ClinVar aggregate classification (germline): Uncertain significance (1 of 4 stars; one submission).

Conditions:
Familial adenomatous polyposis 1 (FAP1). Also called: FAMILIAL ADENOMATOUS POLYPOSIS 1, ATTENUATED; POLYPOSIS, ADENOMATOUS INTESTINAL. Identifiers: MedGen C2713442, MONDO:0021056, OMIM 175100. Disease mechanism: loss of function.

Submission:

Labcorp Genetics (formerly Invitae), Labcorp
Classification: Uncertain significance for Familial adenomatous polyposis 1. Last evaluated: 2022-08-23. Review status: criteria provided, single submitter. Criteria: Invitae Variant Classification Sherloc (09022015). Collection method: clinical testing. Allele origin: germline.
Comment: ClinVar contains an entry for this variant (Variation ID: 961855). This variant has not been reported in the literature in individuals affected with APC-related conditions. This variant is not present in population databases (gnomAD no frequency). This sequence change replaces glutamic acid, which is acidic and polar, with aspartic acid, which is acidic and polar, at codon 19 of the APC protein (p.Glu19Asp). Algorithms developed to predict the effect of missense changes on protein structure and function are either unavailable or do not agree on the potential impact of this missense change (SIFT: "Tolerated"; PolyPhen-2: "Probably Damaging"; Align-GVGD: "Class C0"). In summary, the available evidence is currently insufficient to determine the role of this variant in disease. Therefore, it has been classified as a Variant of Uncertain Significance.